The following is an entry in ClinVar:

NM_000218.3(KCNQ1):c.1746T>C (p.Asp582=)

Gene: KCNQ1 (potassium voltage-gated channel subfamily Q member 1; plus strand). Cytogenetic location: 11p15.5.
Variant type: single nucleotide variant.
Coding change: c.1746T>C on transcript NM_000218.3 (MANE Select); coding-DNA position 1746, T replaced by C.
Protein change: p.Asp582=; no amino-acid change (aspartic acid 582 retained).
Molecular consequence: synonymous variant.
Genome position (GRCh38, 1-based): chr11:2,777,989, T>C. VCF-style: chr11-2777989-T-C. GRCh37 (hg19) VCF-style: chr11-2799219-T-C.
Other names: c.1650T>C, p.Asp550= (NM_001406836.1); c.1476T>C, p.Asp492= (NM_001406837.1); c.1206T>C, p.Asp402= (NM_001406838.1); c.258T>C, p.Asp86= (NM_001406839.1); c.1365T>C, p.Asp455= (NM_181798.2).
Identifiers: ClinVar variation 666705 (VCV000666705.61), dbSNP rs569971691, ClinGen allele CA032569.

ClinVar aggregate classification (germline): Benign/Likely benign. Review status: criteria provided, multiple submitters, no conflicts (2 of 4 stars). 8 submissions from 8 submitters: Benign (3); Likely benign (5). Last evaluated 2025-11-09.

Conditions:
Long QT syndrome (LQTS). Identifiers: MedGen C0023976, MeSH D008133, MONDO:0002442. Disease mechanism: loss of function. Inheritance: Various modes of inheritance.
Cardiovascular phenotype. Identifiers: MedGen CN230736.
Cardiac arrhythmia. Also called: Arrhythmia; Cardiac rhythm disease. Identifiers: MedGen C0003811, MONDO:0007263, HP:0011675.

Allele frequency attached by ClinVar (database versions not stated): gnomAD below 0.00001 and 0.00006; TOPMed below 0.00001; gnomAD exomes 0.00013 and 0.00033; ExAC 0.00037; 1000 Genomes Project 30x 0.00047; 1000 Genomes Project 0.00060.
gnomAD v4.1: 217 of 1,613,734 alleles (0.013%); highest among the groups gnomAD compares: South Asian, 0.21%; 1 homozygote.

Submissions (8):

Labcorp Genetics (formerly Invitae), Labcorp
Classification: Benign for Long QT syndrome. Last evaluated: 2025-11-09. Review status: criteria provided, single submitter. Criteria: Invitae Variant Classification Sherloc (09022015). Collection method: clinical testing. Allele origin: germline.

Blueprint Genetics
Classification: Likely benign. Last evaluated: 2024-04-24. Review status: criteria provided, single submitter. Criteria: ACMG Guidelines, 2015. Collection method: clinical testing. Allele origin: germline.

All of Us Research Program, National Institutes of Health
Classification: Benign for Long QT syndrome. Last evaluated: 2023-12-13. Review status: criteria provided, single submitter. Criteria: ACMG Guidelines, 2015. Collection method: clinical testing. Allele origin: germline. Inheritance: Autosomal dominant inheritance. Observed: 6 variant alleles, 6 heterozygotes.
Comment: This study involves interpretation of variants in research participants for the purpose of population health screening. Participant phenotype was not available at the time of variant classification. Additional details can be found in publication PMID: 35346344, PMCID: PMC8962531

GeneDx
Classification: Likely benign. Last evaluated: 2020-07-28. Review status: criteria provided, single submitter. Criteria: GeneDx Variant Classification Process June 2021. Collection method: clinical testing. Allele origin: germline. Affected: yes.
Comment: This variant is associated with the following publications: (PMID: 16487223)

CeGaT Center for Human Genetics Tuebingen
Classification: Likely benign. Last evaluated: 2020-05-01. Review status: criteria provided, single submitter. Criteria: CeGaT Center For Human Genetics Tuebingen Variant Classification Criteria Version 2. Collection method: clinical testing. Allele origin: germline. Affected: yes. Observed: 3 variant alleles.

Ambry Genetics
Classification: Likely benign for Cardiovascular phenotype. Last evaluated: 2020-03-06. Review status: criteria provided, single submitter. Criteria: Ambry Variant Classification Scheme 2023. Collection method: clinical testing. Allele origin: germline.

Color Diagnostics, LLC DBA Color Health
Classification: Benign for Arrhythmia. Last evaluated: 2018-11-08. Review status: criteria provided, single submitter. Criteria: ACMG Guidelines, 2015. Collection method: clinical testing. Allele origin: germline.

Laboratory for Molecular Medicine, Mass General Brigham Personalized Medicine
Classification: Likely benign. Last evaluated: 2017-08-23. Review status: criteria provided, single submitter. Criteria: LMM Criteria. Collection method: clinical testing. Allele origin: germline. Observed: 1 variant allele.
Comment: p.Asp582Asp in exon 15 of KCNQ1: This variant is not expected to have clinical s ignificance because it does not alter an amino acid residue and is not located w ithin the splice consensus sequence. It has been identified in 0.26% (43/16508) of South Asian chromosomes by the Exome Aggregation Consortium (ExAC; dbSNP rs569971691).